The following is an entry in ClinVar:

ClinVar aggregate classification (germline): Uncertain significance. Review status: criteria provided, multiple submitters, no conflicts (2 of 4 stars). 2 submissions from 2 submitters: Uncertain significance (2). Last evaluated 2024-03-18.

Conditions:
Hereditary cancer-predisposing syndrome. Also called: Hereditary neoplastic syndrome; Neoplastic Syndromes, Hereditary; Hereditary Cancer Syndrome; Tumor predisposition. Identifiers: Orphanet 140162, MedGen C0027672, MeSH D009386, MONDO:0015356.

gnomAD v4.1: 1 of 1,614,146 alleles (0.000062%); no homozygotes.

Submissions (2):

Ambry Genetics
Classification: Uncertain significance for Hereditary cancer-predisposing syndrome. Last evaluated: 2024-03-18. Review status: criteria provided, single submitter. Criteria: Ambry Variant Classification Scheme 2023. Collection method: clinical testing. Allele origin: germline.
Comment: The p.I17V variant (also known as c.49A>G), located in coding exon 1 of the RAD50 gene, results from an A to G substitution at nucleotide position 49. The isoleucine at codon 17 is replaced by valine, an amino acid with highly similar properties. This amino acid position is conserved. In addition, this alteration is predicted to be tolerated by in silico analysis. Since supporting evidence is limited at this time, the clinical significance of this alteration remains unclear.

Labcorp Genetics (formerly Invitae), Labcorp
Classification: Uncertain significance for Hereditary cancer-predisposing syndrome. Last evaluated: 2022-04-18. Review status: criteria provided, single submitter. Criteria: Invitae Variant Classification Sherloc (09022015). Collection method: clinical testing. Allele origin: germline.
Comment: In summary, the available evidence is currently insufficient to determine the role of this variant in disease. Therefore, it has been classified as a Variant of Uncertain Significance. Algorithms developed to predict the effect of missense changes on protein structure and function (SIFT, PolyPhen-2, Align-GVGD) all suggest that this variant is likely to be tolerated. This variant has not been reported in the literature in individuals affected with RAD50-related conditions. This variant is not present in population databases (gnomAD no frequency). This sequence change replaces isoleucine, which is neutral and non-polar, with valine, which is neutral and non-polar, at codon 17 of the RAD50 protein (p.Ile17Val).

NM_005732.4(RAD50):c.49A>G (p.Ile17Val)

Gene: RAD50 (RAD50 double strand break repair protein; plus strand). Cytogenetic location: 5q31.1.
Variant type: single nucleotide variant.
Coding change: c.49A>G on transcript NM_005732.4 (MANE Select); coding-DNA position 49, A replaced by G.
Protein change: p.Ile17Val; replaces isoleucine 17 with valine.
Molecular consequence: missense variant.
Genome position (GRCh38, 1-based): chr5:132,557,373, A>G. VCF-style: chr5-132557373-A-G. GRCh37 (hg19) VCF-style: chr5-131893065-A-G.
Other names: short protein forms I17V.
Identifiers: ClinVar variation 1487697 (VCV001487697.8), dbSNP rs2149830106, ClinGen allele CA360951048.